The following is an entry in ClinVar:

NC_000009.12:g.(?_130678509)_(130678660_?)del

Gene: PRDM12 (PR/SET domain 12; plus strand). Cytogenetic location: 9q34.12.
Variant type: Deletion.
Identifiers: ClinVar variation 584194 (VCV000584194.1).

ClinVar aggregate classification (germline): Uncertain significance (1 of 4 stars; one submission).

Conditions:
Congenital insensitivity to pain-hypohidrosis syndrome. Also called: HSAN VIII; Neuropathy, hereditary sensory and autonomic, type VIII. Identifiers: Orphanet 478664, MedGen C4225308, MONDO:0014662, OMIM 616488.

Submission:

Labcorp Genetics (formerly Invitae), Labcorp
Classification: Uncertain significance for Neuropathy, hereditary sensory and autonomic, type VIII. Last evaluated: 2018-04-26. Review status: criteria provided, single submitter. Criteria: Invitae Variant Classification Sherloc (09022015). Collection method: clinical testing. Allele origin: germline.
Comment: This variant is a sub-genic deletion of the genomic region encompassing exon 4 of the PRDM12 gene. While this deletion is not anticipated to result in nonsense mediated decay, it is expected to result in a disrupted protein product. This variant has not been reported in the literature in individuals with PRDM12-related disease. The current clinical and genetic evidence is not sufficient to establish whether loss-of-function variants in PRDM12 cause disease. In summary, the available evidence is currently insufficient to determine the role of this variant in disease. Therefore, it has been classified as a Variant of Uncertain Significance.